The following is an entry in ClinVar:

ClinVar aggregate classification (germline): Uncertain significance. Review status: criteria provided, single submitter (1 of 4 stars). 5 submissions from 5 submitters: Uncertain significance (1). 4 of the submissions do not count toward it. Last evaluated 2022-10-31.

Conditions:
Inborn genetic diseases. Identifiers: MedGen C0950123, MeSH D030342.
GPC4-related disorder. Also called: GPC4-related condition.

Allele frequency attached by ClinVar (database versions not stated): ESP Exome Variant Server 0.00009; ExAC 0.00039; gnomAD exomes 0.00044 and 0.00072; gnomAD 0.00048 and 0.00060; TOPMed 0.00060.
gnomAD v4.1: 843 of 1,208,873 alleles (0.07%); highest among the groups gnomAD compares: Non-Finnish European, 0.088%; no homozygotes.

Submissions (5):

Ambry Genetics
Classification: Uncertain significance for Inborn genetic diseases. Last evaluated: 2022-10-31. Review status: criteria provided, single submitter. Criteria: Ambry Variant Classification Scheme 2023. Collection method: clinical testing. Allele origin: germline.

PreventionGenetics, part of Exact Sciences
Classification: Likely benign for GPC4-related condition. Last evaluated: 2021-09-07. Review status: no assertion criteria provided. Collection method: clinical testing. Allele origin: germline. Not counted in ClinVar's aggregate classification.
Comment: This variant is classified as likely benign based on ACMG/AMP sequence variant interpretation guidelines (Richards et al. 2015 PMID: 25741868, with internal and published modifications).

Department of Pathology and Laboratory Medicine, Sinai Health System
Classification: Uncertain significance. Review status: no assertion criteria provided. Collection method: clinical testing. Allele origin: unknown. Affected: yes. Study: The Canadian Open Genetics Repository (COGR). Not counted in ClinVar's aggregate classification.
Comment: The GPC4 p.Arg258Trp variant was not identified in the literature nor was it identified in ClinVar. The variant was identified in dbSNP (ID: rs199910189) and LOVD 3.0 (classified as likely benign). The variant was identified in control databases in 89 of 205024 chromosomes (38 hemizygous) at a frequency of 0.0004341 (Genome Aggregation Database March 6, 2019, v2.1.1). The variant was observed in the following populations: European (non-Finnish) in 81 of 92419 chromosomes (freq: 0.0008764), Other in 2 of 5329 chromosomes (freq: 0.0003753), African in 4 of 19047 chromosomes (freq: 0.0002100) and Latino in 2 of 28045 chromosomes (freq:0.00007131), but was not observed in the Ashkenazi Jewish, East Asian, European (Finnish), or South Asian populations. Although the p.Arg258 residue is not conserved in mammals and other organisms, computational analyses (PolyPhen-2, SIFT, AlignGVGD, BLOSUM, MutationTaster) suggest that the variant may impact the protein. The variant occurs outside of the splicing consensus sequence and in silico or computational prediction software programs (SpliceSiteFinder, MaxEntScan, NNSPLICE, GeneSplicer) do not predict a greater than 10% difference in splicing. In summary, based on the above information the clinical significance of this variant cannot be determined with certainty at this time. This variant is classified as a variant of uncertain significance.

Diagnostic Laboratory, Department of Genetics, University Medical Center Groningen
Classification: Likely benign. Review status: no assertion criteria provided. Collection method: clinical testing. Allele origin: germline. Affected: yes. Study: VKGL Data-share Consensus. Not counted in ClinVar's aggregate classification.

Laboratory of Diagnostic Genome Analysis, Leiden University Medical Center (LUMC)
Classification: Likely benign. Review status: no assertion criteria provided. Collection method: clinical testing. Allele origin: germline. Affected: yes. Study: VKGL Data-share Consensus. Not counted in ClinVar's aggregate classification.

NM_001448.3(GPC4):c.772C>T (p.Arg258Trp)

Gene: GPC4 (glypican 4; minus strand). Cytogenetic location: Xq26.2.
Variant type: single nucleotide variant.
Coding change: c.772C>T on transcript NM_001448.3 (MANE Select); coding-DNA position 772, C replaced by T.
Protein change: p.Arg258Trp; replaces arginine 258 with tryptophan.
Molecular consequence: missense variant.
Genome position (GRCh38, 1-based): chrX:133,311,363, G>A on the plus strand (C>T on the coding strand, the complement: GPC4 is on the minus strand). VCF-style: chrX-133311363-G-A. GRCh37 (hg19) VCF-style: chrX-132445391-G-A.
Other names: c.772C>T (NM_001448.2); short protein forms R258W.
Identifiers: ClinVar variation 1049330 (VCV001049330.6), dbSNP rs199910189, ClinGen allele CA10520455.